The following is an entry in ClinVar:

ClinVar aggregate classification (germline): Uncertain significance (1 of 4 stars; one submission).

Allele frequency attached by ClinVar (database versions not stated): gnomAD exomes 0.00001.
gnomAD v4.1: 11 of 1,613,770 alleles (0.00068%); highest among the groups gnomAD compares: Middle Eastern, 0.016%; no homozygotes.

Submission:

Labcorp Genetics (formerly Invitae), Labcorp
Classification: Uncertain significance. Last evaluated: 2021-08-24. Review status: criteria provided, single submitter. Criteria: Invitae Variant Classification Sherloc (09022015). Collection method: clinical testing. Allele origin: germline.
Comment: This sequence change replaces threonine with alanine at codon 561 of the TFRC protein (p.Thr561Ala). The threonine residue is moderately conserved and there is a small physicochemical difference between threonine and alanine. This variant is not present in population databases (ExAC no frequency). This variant has not been reported in the literature in individuals affected with TFRC-related conditions. Algorithms developed to predict the effect of missense changes on protein structure and function output the following: SIFT: "Tolerated"; PolyPhen-2: "Benign"; Align-GVGD: "Class C0". The alanine amino acid residue is found in multiple mammalian species, which suggests that this missense change does not adversely affect protein function. In summary, the available evidence is currently insufficient to determine the role of this variant in disease. Therefore, it has been classified as a Variant of Uncertain Significance.

NM_001128148.3(TFRC):c.1681A>G (p.Thr561Ala)

Gene: TFRC (transferrin receptor; minus strand). Cytogenetic location: 3q29.
Variant type: single nucleotide variant.
Coding change: c.1681A>G on transcript NM_001128148.3 (MANE Select); coding-DNA position 1681, A replaced by G.
Protein change: p.Thr561Ala; replaces threonine 561 with alanine.
Molecular consequence: missense variant.
Genome position (GRCh38, 1-based): chr3:196,055,298, T>C on the plus strand (A>G on the coding strand, the complement: TFRC is on the minus strand). VCF-style: chr3-196055298-T-C. GRCh37 (hg19) VCF-style: chr3-195782169-T-C.
Other names: c.1438A>G, p.Thr480Ala (NM_001313965.2); c.835A>G, p.Thr279Ala (NM_001313966.2); c.1681A>G, p.Thr561Ala (NM_003234.4); short protein forms T561A, T279A, T480A.
Identifiers: ClinVar variation 1943490 (VCV001943490.2), dbSNP rs1458864012, ClinGen allele CA355563783.
Genomic context (GRCh38, chr3:196,055,298, plus strand): 5'-GAATCCTCTCAATCAGTTCCTTATAGGTGTCCATGGTGGTACCCAAATAAGGATAATCTG[T>C]GTCCTGCAAGACAACGCGAGGCTATGGTACTCACGTGAGTTCTAAGAGCAAGAGCCTCAC-3'
Protein context (NP_001121620.1, residues 551-571): PAVSFCFCED[Thr561Ala]DYPYLGTTMD